The following is an entry in ClinVar:

ClinVar aggregate classification (germline): Pathogenic/Likely pathogenic. Review status: criteria provided, multiple submitters, no conflicts (2 of 4 stars). 5 submissions from 5 submitters: Pathogenic (2); Likely pathogenic (1). 2 of the submissions do not count toward it. Last evaluated 2022-11-01.

Conditions:
BEST1-related disorder. Also called: BEST1-related condition; BEST1-related disorders. Identifiers: MedGen CN239200.
Retinal dystrophy. Also called: Inherited retinal dystrophy. Identifiers: Orphanet 71862, MedGen C0854723, MeSH D058499, MONDO:0019118, HP:0000556.
Autosomal recessive bestrophinopathy. Also called: Autosomal Recessive Bestrophinopathy (ARB). Identifiers: Orphanet 139455, MedGen C3888198, MONDO:0012733, OMIM 611809.

Allele frequency attached by ClinVar (database versions not stated): ExAC 0.00001; gnomAD 0.00001; TOPMed 0.00001; gnomAD exomes 0.00002 and 0.00003.
gnomAD v4.1: 47 of 1,613,728 alleles (0.0029%); highest among the groups gnomAD compares: Non-Finnish European, 0.0039%; no homozygotes.

Submissions (5):

Labcorp Genetics (formerly Invitae), Labcorp
Classification: Pathogenic. Last evaluated: 2022-11-01. Review status: criteria provided, single submitter. Criteria: Invitae Variant Classification Sherloc (09022015). Collection method: clinical testing. Allele origin: germline.
Comment: This sequence change replaces leucine, which is neutral and non-polar, with proline, which is neutral and non-polar, at codon 41 of the BEST1 protein (p.Leu41Pro). This variant is present in population databases (rs121918288, gnomAD 0.004%). This missense change has been observed in individual(s) with autosomal recessive bestrophinopathy (PMID: 18179881, 22422030). In at least one individual the data is consistent with being in trans (on the opposite chromosome) from a pathogenic variant. It has also been observed to segregate with disease in related individuals. ClinVar contains an entry for this variant (Variation ID: 2743). Advanced modeling of protein sequence and biophysical properties (such as structural, functional, and spatial information, amino acid conservation, physicochemical variation, residue mobility, and thermodynamic stability) performed at Invitae indicates that this missense variant is expected to disrupt BEST1 protein function. Experimental studies have shown that this missense change affects BEST1 function (PMID: 21330666, 24560797). For these reasons, this variant has been classified as Pathogenic.

Institute of Human Genetics, Univ. Regensburg, Univ. Regensburg
Classification: Likely pathogenic for Retinal dystrophy. Last evaluated: 2020-01-01. Review status: criteria provided, single submitter. Criteria: ACMG Guidelines, 2015. Collection method: clinical testing. Allele origin: germline. Affected: yes.

Blueprint Genetics
Classification: Pathogenic for BEST1-related disorders. Last evaluated: 2019-11-08. Review status: criteria provided, single submitter. Criteria: ACMG Guidelines, 2015. Collection method: clinical testing. Allele origin: germline. Affected: yes. Observed: 4 variant alleles.

OMIM
Classification: Pathogenic for BESTROPHINOPATHY, AUTOSOMAL RECESSIVE. Last evaluated: 2008-01-01. Review status: no assertion criteria provided. Collection method: literature only. Allele origin: germline. Not counted in ClinVar's aggregate classification.

Retina International
No classification provided. Review status: no classification provided. Collection method: not provided. Allele origin: not provided. Not counted in ClinVar's aggregate classification.

Literature cited by the submitters: PubMed 18179881 (cited by Labcorp Genetics (formerly Invitae), Labcorp and OMIM); PubMed 22422030 (cited by Labcorp Genetics (formerly Invitae), Labcorp); PubMed 21330666 (cited by Labcorp Genetics (formerly Invitae), Labcorp and Institute of Human Genetics, Univ. Regensburg, Univ. Regensburg); PubMed 24560797 (cited by Labcorp Genetics (formerly Invitae), Labcorp and Institute of Human Genetics, Univ. Regensburg, Univ. Regensburg); PubMed 14517959 (cited by Institute of Human Genetics, Univ. Regensburg, Univ. Regensburg); PubMed 32239196 (cited by Institute of Human Genetics, Univ. Regensburg, Univ. Regensburg); PubMed 34015078 (cited by Institute of Human Genetics, Univ. Regensburg, Univ. Regensburg).

NM_004183.4(BEST1):c.122T>C (p.Leu41Pro)

Gene: BEST1 (bestrophin 1; plus strand). Cytogenetic location: 11q12.3.
Variant type: single nucleotide variant.
Coding change: c.122T>C on transcript NM_004183.4 (MANE Select); coding-DNA position 122, T replaced by C.
Protein change: p.Leu41Pro; replaces leucine 41 with proline.
Molecular consequence: missense variant. On other transcripts: non-coding transcript variant (1), intron variant (6).
Genome position (GRCh38, 1-based): chr11:61,951,928, T>C. VCF-style: chr11-61951928-T-C. GRCh37 (hg19) VCF-style: chr11-61719400-T-C.
Other names: c.122T>C, p.Leu41Pro (NM_001363592.2, NM_001440571.1, NM_001440572.1 and 1 more transcripts); c.-29+1501T>C (NM_001139443.3, NM_001300787.2, NM_001440574.1 and 3 more transcripts); short protein forms L41P.
Identifiers: ClinVar variation 2743 (VCV000002743.13), dbSNP rs121918288, ClinGen allele CA115728.